The following is an entry in ClinVar:

NM_001113491.2(SEPTIN9):c.834C>T (p.Tyr278=)

Gene: SEPTIN9 (septin 9; plus strand). Cytogenetic location: 17q25.3.
Variant type: single nucleotide variant.
Coding change: c.834C>T on transcript NM_001113491.2 (MANE Select); coding-DNA position 834, C replaced by T.
Protein change: p.Tyr278=; no amino-acid change (tyrosine 278 retained).
Molecular consequence: synonymous variant.
Genome position (GRCh38, 1-based): chr17:77,482,256, C>T. VCF-style: chr17-77482256-C-T. GRCh37 (hg19) VCF-style: chr17-75478338-C-T.
Other names: c.342C>T, p.Tyr114= (NM_001113492.2, NM_001113494.1); c.813C>T, p.Tyr271= (NM_001113493.2); c.81C>T, p.Tyr27= (NM_001113495.2, NM_001113496.2, NM_001293697.2 and 1 more transcripts); c.777C>T, p.Tyr259= (NM_001293695.2); c.162C>T, p.Tyr54= (NM_001293696.2); c.780C>T, p.Tyr260= (NM_006640.5).
Identifiers: ClinVar variation 4537198 (VCV004537198.1).
Genomic context (GRCh38, chr17:77,482,256, plus strand): 5'-TGCCGGGCTCAAGCAGGCGCCTGCATCACGGAACGAGAAGGCCCCGGTGGACTTCGGCTA[C>T]GTGGGGATTGACTCCATCCTGGAGCAGATGCGCCGGAAGGCCATGAAGCAGGGCTTCGAG-3'
Protein context (NP_001106963.1, residues 268-288): RNEKAPVDFG[Tyr278=]VGIDSILEQM

ClinVar aggregate classification (germline): Benign (1 of 4 stars; one submission).

gnomAD v4.1: 36 of 1,613,080 alleles (0.0022%); highest among the groups gnomAD compares: Admixed American, 0.0067%; no homozygotes.

Submission:

Women's Health and Genetics/Laboratory Corporation of America, LabCorp
Classification: Benign. Last evaluated: 2025-11-25. Review status: criteria provided, single submitter. Criteria: LabCorp Variant Classification Summary - May 2015. Collection method: clinical testing. Allele origin: germline.
Comment: Variant summary: SEPTIN9 c.780C>T alters a conserved nucleotide resulting in a synonymous change. Consensus agreement among computation tools predict no significant impact on normal splicing. However, these predictions have yet to be confirmed by functional studies. The variant allele was found at a frequency of 2.2e-05 in 1613080 control chromosomes. The observed variant frequency exceeds the estimated maximal expected allele frequency for disease-causing variants in SEPTIN9. To our knowledge, no occurrence of c.780C>T in individuals affected with SEPTIN9-related conditions and no experimental evidence demonstrating its impact on protein function have been reported. No submitters have cited clinical-significance assessments for this variant to ClinVar. Based on the evidence outlined above, the variant was classified as benign.